The following is an entry in ClinVar:

NM_001386298.1(CIC):c.7535C>T (p.Thr2512Ile)

Gene: CIC (capicua transcriptional repressor; plus strand). Cytogenetic location: 19q13.2.
Variant type: single nucleotide variant.
Coding change: c.7535C>T on transcript NM_001386298.1 (MANE Select); coding-DNA position 7535, C replaced by T.
Protein change: p.Thr2512Ile; replaces threonine 2512 with isoleucine.
Molecular consequence: missense variant.
Genome position (GRCh38, 1-based): chr19:42,295,172, C>T. VCF-style: chr19-42295172-C-T. GRCh37 (hg19) VCF-style: chr19-42799324-C-T.
Other names: c.7535C>T, p.Thr2512Ile (NM_001304815.2); c.7532C>T, p.Thr2511Ile (NM_001379480.1, NM_001379482.1); c.4802C>T, p.Thr1601Ile (NM_001379484.1); c.4799C>T, p.Thr1600Ile (NM_001379485.1); c.4808C>T, p.Thr1603Ile (NM_015125.5); short protein forms T1600I, T1601I, T1603I, T2511I, T2512I.
Identifiers: ClinVar variation 3253527 (VCV003253527.2), dbSNP rs2038432203.

ClinVar aggregate classification (germline): Uncertain significance (1 of 4 stars; one submission).

Allele frequency attached by ClinVar (database versions not stated): TOPMed below 0.00001; gnomAD 0.00001.

Submission:

GeneDx
Classification: Uncertain significance. Last evaluated: 2025-05-20. Review status: criteria provided, single submitter. Criteria: GeneDx Variant Classification Process June 2021. Collection method: clinical testing. Allele origin: germline.
Comment: Not observed at significant frequency in large population cohorts (gnomAD); In silico analysis suggests that this missense variant does not alter protein structure/function; Has not been previously published as pathogenic or benign to our knowledge